The following is an entry in ClinVar:

NM_001164665.2(KIAA1549):c.2857G>A (p.Asp953Asn)

Gene: KIAA1549 (KIAA1549; minus strand). Cytogenetic location: 7q34.
Variant type: single nucleotide variant.
Coding change: c.2857G>A on transcript NM_001164665.2 (MANE Select); coding-DNA position 2857, G replaced by A.
Protein change: p.Asp953Asn; replaces aspartic acid 953 with asparagine.
Molecular consequence: missense variant.
Genome position (GRCh38, 1-based): chr7:138,916,769, C>T on the plus strand (G>A on the coding strand, the complement: KIAA1549 is on the minus strand). VCF-style: chr7-138916769-C-T. GRCh37 (hg19) VCF-style: chr7-138601515-C-T.
Other names: c.2857G>A (NM_001164665.1); c.2857G>A, p.Asp953Asn (NM_020910.3); short protein forms D953N.
Identifiers: ClinVar variation 1081201 (VCV001081201.12), dbSNP rs61734245, ClinGen allele CA4506396.

ClinVar aggregate classification (germline): Likely benign. Review status: criteria provided, multiple submitters, no conflicts (2 of 4 stars). 3 submissions from 3 submitters: Likely benign (2). 1 of the submissions does not count toward it. Last evaluated 2026-01-25.

Conditions:
KIAA1549-related disorder. Also called: KIAA1549-related condition.

Allele frequency attached by ClinVar (database versions not stated): gnomAD exomes 0.00039; ExAC 0.00055; ESP Exome Variant Server 0.00129; TOPMed 0.00186; 1000 Genomes Project 30x 0.00219; 1000 Genomes Project 0.00220.
gnomAD v4.1: 474 of 1,613,918 alleles (0.029%); highest among the groups gnomAD compares: African/African-American, 0.51%; 1 homozygote.

Submissions (3):

Labcorp Genetics (formerly Invitae), Labcorp
Classification: Likely benign. Last evaluated: 2026-01-25. Review status: criteria provided, single submitter. Criteria: Invitae Variant Classification Sherloc (09022015). Collection method: clinical testing. Allele origin: germline.

Blueprint Genetics
Classification: Likely benign. Last evaluated: 2024-10-08. Review status: criteria provided, single submitter. Criteria: ACMG Guidelines, 2015. Collection method: clinical testing. Allele origin: germline.

PreventionGenetics, part of Exact Sciences
Classification: Likely benign for KIAA1549-related condition. Last evaluated: 2019-11-14. Review status: no assertion criteria provided. Collection method: clinical testing. Allele origin: germline. Not counted in ClinVar's aggregate classification.
Comment: This variant is classified as likely benign based on ACMG/AMP sequence variant interpretation guidelines (Richards et al. 2015 PMID: 25741868, with internal and published modifications).